The following is an entry in ClinVar:

NM_130468.4(CHST14):c.610C>T (p.Gln204Ter)

Gene: CHST14 (carbohydrate sulfotransferase 14; plus strand). Cytogenetic location: 15q15.1.
Variant type: single nucleotide variant.
Coding change: c.610C>T on transcript NM_130468.4 (MANE Select); coding-DNA position 610, C replaced by T.
Protein change: p.Gln204Ter; replaces glutamine 204 with a stop codon.
Molecular consequence: nonsense.
Genome position (GRCh38, 1-based): chr15:40,471,823, C>T. VCF-style: chr15-40471823-C-T. GRCh37 (hg19) VCF-style: chr15-40764022-C-T.
Other names: short protein forms Q204*.
Identifiers: ClinVar variation 4613904 (VCV004613904.2).
Genomic context (GRCh38, chr15:40,471,823, plus strand): 5'-CACCGCAGTGACCTGGTGTTCCTGGCCGACCTGCGGCCTGAGGAGATTCGCTACCGCCTG[C>T]AGCACTACTTTAAGTTCCTGTTTGTGCGGGAGCCCTTGGAACGCCTCCTCTCTGCCTACC-3'

ClinVar aggregate classification (germline): Pathogenic/Likely pathogenic. Review status: criteria provided, multiple submitters, no conflicts (2 of 4 stars). 2 submissions from 2 submitters: Pathogenic (1); Likely pathogenic (1). Last evaluated 2025-10-15.

Conditions:
Ehlers-Danlos syndrome, musculocontractural type (EDSMC). Also called: DUNDAR SYNDROME; ADDUCTED THUMB-CLUBFOOT SYNDROME; Adducted thumb, clubfoot, progressive joint and skin laxity syndrome; ARTHROGRYPOSIS, DISTAL, WITH PECULIAR FACIES AND HYDRONEPHROSIS. Identifiers: Orphanet 2953, MedGen C1866294, MONDO:0011142.
Cardiovascular phenotype. Identifiers: MedGen CN230736.

Submissions (2):

Labcorp Genetics (formerly Invitae), Labcorp
Classification: Pathogenic for Ehlers-Danlos syndrome, musculocontractural type. Last evaluated: 2025-10-15. Review status: criteria provided, single submitter. Criteria: Invitae Variant Classification Sherloc (09022015). Collection method: clinical testing. Allele origin: germline.
Comment: This sequence change creates a premature translational stop signal (p.Gln204*) in the CHST14 gene. While this is not anticipated to result in nonsense mediated decay, it is expected to disrupt the last 173 amino acid(s) of the CHST14 protein. This variant is not present in population databases (gnomAD no frequency). This variant has not been reported in the literature in individuals affected with CHST14-related conditions. This variant disrupts a region of the CHST14 protein in which other variant(s) (p.Tyr293Cys) have been determined to be pathogenic (PMID: 10766984, 20004762, 20533528, 21744491). This suggests that this is a clinically significant region of the protein, and that variants that disrupt it are likely to be disease-causing. For these reasons, this variant has been classified as Pathogenic.

Ambry Genetics
Classification: Likely pathogenic for Cardiovascular phenotype. Last evaluated: 2025-09-25. Review status: criteria provided, single submitter. Criteria: Ambry Variant Classification Scheme 2023. Collection method: clinical testing. Allele origin: germline.
Comment: The p.Q204* variant (also known as c.610C>T), located in coding exon 1 of the CHST14 gene, results from a C to T substitution at nucleotide position 610. This changes the amino acid from a glutamine to a stop codon within coding exon 1. This alteration occurs at the 3' terminus of the gene, is not expected to trigger nonsense-mediated mRNA decay, and impacts the last 46% of the protein. However, premature stop codons are typically deleterious in nature and a significant portion of the protein is affected (Ambry internal data). This variant is considered to be rare based on population cohorts in the Genome Aggregation Database (gnomAD). Based on the majority of available evidence to date, this variant is likely to be pathogenic.

Literature cited by the submitters: PubMed 10766984 (cited by Labcorp Genetics (formerly Invitae), Labcorp); PubMed 20004762 (cited by Labcorp Genetics (formerly Invitae), Labcorp); PubMed 20533528 (cited by Labcorp Genetics (formerly Invitae), Labcorp); PubMed 21744491 (cited by Labcorp Genetics (formerly Invitae), Labcorp).